The following is an entry in ClinVar:

NM_181458.4(PAX3):c.1116T>A (p.Pro372=)

Genes: PAX3 (paired box 3; minus strand), LOC126806529 (CDK7 strongly-dependent group 2 enhancer GRCh37_chr2:223084735-223085934; plus strand). Cytogenetic location: 2q36.1.
Variant type: single nucleotide variant.
Coding change: c.1116T>A on transcript NM_181458.4 (MANE Select); coding-DNA position 1116, T replaced by A.
Protein change: p.Pro372=; no amino-acid change (proline 372 retained).
Molecular consequence: synonymous variant.
Genome position (GRCh38, 1-based): chr2:222,220,197, A>T on the plus strand (T>A on the coding strand, the complement: PAX3 is on the minus strand). VCF-style: chr2-222220197-A-T. GRCh37 (hg19) VCF-style: chr2-223084916-A-T.
Other names: c.1113T>A, p.Pro371= (NM_001127366.3); c.1116T>A, p.Pro372= (NM_181457.4, NM_181459.4, NM_181460.4 and 1 more transcripts); c.1116T>A (NM_181457.3).
Identifiers: ClinVar variation 505111 (VCV000505111.8), dbSNP rs770424826, ClinGen allele CA2135498.

ClinVar aggregate classification (germline): Conflicting classifications of pathogenicity. Review status: criteria provided, conflicting classifications (1 of 4 stars). 3 submissions from 3 submitters: Uncertain significance (1); Likely benign (2). Last evaluated 2024-12-26.

Allele frequency attached by ClinVar (database versions not stated): gnomAD below 0.00001 and 0.00002; gnomAD exomes 0.00002 and 0.00004; ExAC 0.00007.
gnomAD v4.1: 34 of 1,613,806 alleles (0.0021%); highest among the groups gnomAD compares: South Asian, 0.037%; no homozygotes.

Submissions (3):

GeneDx
Classification: Uncertain significance. Last evaluated: 2024-12-26. Review status: criteria provided, single submitter. Criteria: GeneDx Variant Classification Process June 2021. Collection method: clinical testing. Allele origin: germline. Affected: yes.
Comment: In silico analysis indicates that this variant does not alter splicing; Has not been previously published as pathogenic or benign to our knowledge

Labcorp Genetics (formerly Invitae), Labcorp
Classification: Likely benign. Last evaluated: 2024-04-25. Review status: criteria provided, single submitter. Criteria: Invitae Variant Classification Sherloc (09022015). Collection method: clinical testing. Allele origin: germline.

Laboratory for Molecular Medicine, Mass General Brigham Personalized Medicine
Classification: Likely benign. Last evaluated: 2016-06-21. Review status: criteria provided, single submitter. Criteria: LMM Criteria. Collection method: clinical testing. Allele origin: germline. Observed: 1 variant allele.
Comment: p.Pro371Pro in exon 7 of PAX3: This variant is not expected to have clinical sig nificance because it does not alter an amino acid residue and is not located wit hin the splice consensus sequence. It has been identified in 8/16484 South Asian chromosomes by the Exome Aggregation Consortium (ExAC; dbSNP rs770424826).